The following is an entry in ClinVar:

ClinVar aggregate classification (germline): Uncertain significance (1 of 4 stars; one submission).

Submission:

Women's Health and Genetics/Laboratory Corporation of America, LabCorp
Classification: Uncertain significance. Last evaluated: 2024-02-08. Review status: criteria provided, single submitter. Criteria: LabCorp Variant Classification Summary - May 2015. Collection method: clinical testing. Allele origin: germline.
Comment: Variant summary: SYNE1 c.12367G>A (p.Glu4123Lys) results in a conservative amino acid change in the encoded protein sequence. Three of five in-silico tools predict a benign effect of the variant on protein function. The variant was absent in 250850 control chromosomes. The available data on variant occurrences in the general population are insufficient to allow any conclusion about variant significance. To our knowledge, no occurrence of c.12367G>A in individuals affected with SYNE1-Related Disorders and no experimental evidence demonstrating its impact on protein function have been reported. No submitters have cited clinical-significance assessments for this variant to ClinVar. Based on the evidence outlined above, the variant was classified as uncertain significance.

NM_182961.4(SYNE1):c.12580G>A (p.Glu4194Lys)

Gene: SYNE1 (spectrin repeat containing nuclear envelope protein 1; minus strand). Cytogenetic location: 6q25.2.
Variant type: single nucleotide variant.
Coding change: c.12580G>A on transcript NM_182961.4 (MANE Select); coding-DNA position 12580, G replaced by A.
Protein change: p.Glu4194Lys; replaces glutamic acid 4194 with lysine.
Molecular consequence: missense variant.
Genome position (GRCh38, 1-based): chr6:152,334,222, C>T on the plus strand (G>A on the coding strand, the complement: SYNE1 is on the minus strand). VCF-style: chr6-152334222-C-T. GRCh37 (hg19) VCF-style: chr6-152655357-C-T.
Other names: c.12367G>A, p.Glu4123Lys (NM_033071.5); short protein forms E4123K, E4194K.
Identifiers: ClinVar variation 3068790 (VCV003068790.2), dbSNP rs2096322905, ClinGen allele CA366106658.
Genomic context (GRCh38, chr6:152,334,222, plus strand): 5'-AATGATTTATTTCCTTGTGTTCAGGCGATTCCTCCTTCTTTGTTAACTTATTCACCTTTT[C>T]TATTATGGTGTTCACGGATGCCTGTTTGCTCTGTAGTTTCTTAACAAAATCCTAAAGGAT-3'
Protein context (NP_892006.3, residues 4184-4204): SKQASVNTII[Glu4194Lys]KVNKLTKKEE